The following is an entry in ClinVar:

ClinVar aggregate classification (germline): Uncertain significance (1 of 4 stars; one submission).

Allele frequency attached by ClinVar (database versions not stated): gnomAD exomes 0.00001.
gnomAD v4.1: 3 of 1,614,044 alleles (0.00019%); highest among the groups gnomAD compares: Non-Finnish European, 0.00025%; no homozygotes.

Submission:

Labcorp Genetics (formerly Invitae), Labcorp
Classification: Uncertain significance. Last evaluated: 2022-08-15. Review status: criteria provided, single submitter. Criteria: Invitae Variant Classification Sherloc (09022015). Collection method: clinical testing. Allele origin: germline.
Comment: This sequence change replaces tyrosine, which is neutral and polar, with histidine, which is basic and polar, at codon 422 of the ARHGEF10 protein (p.Tyr422His). This variant is not present in population databases (gnomAD no frequency). This variant has not been reported in the literature in individuals affected with ARHGEF10-related conditions. ClinVar contains an entry for this variant (Variation ID: 1461145). Algorithms developed to predict the effect of missense changes on protein structure and function are either unavailable or do not agree on the potential impact of this missense change (SIFT: "Deleterious"; PolyPhen-2: "Probably Damaging"; Align-GVGD: "Class C0"). In summary, the available evidence is currently insufficient to determine the role of this variant in disease. Therefore, it has been classified as a Variant of Uncertain Significance.

NM_014629.4(ARHGEF10):c.1264T>C (p.Tyr422His)

Gene: ARHGEF10 (Rho guanine nucleotide exchange factor 10; plus strand). Cytogenetic location: 8p23.3.
Variant type: single nucleotide variant.
Coding change: c.1264T>C on transcript NM_014629.4 (MANE Select); coding-DNA position 1264, T replaced by C.
Protein change: p.Tyr422His; replaces tyrosine 422 with histidine.
Molecular consequence: missense variant.
Genome position (GRCh38, 1-based): chr8:1,894,396, T>C. VCF-style: chr8-1894396-T-C. GRCh37 (hg19) VCF-style: chr8-1842562-T-C.
Other names: c.1150T>C, p.Tyr384His (NM_001308152.2); c.1267T>C, p.Tyr423His (NM_001308153.3); short protein forms Y384H, Y422H, Y447H, Y423H.
Identifiers: ClinVar variation 1461145 (VCV001461145.6), dbSNP rs2129157304, ClinGen allele CA369959106.